The following is an entry in ClinVar:

NM_001276345.2(TNNT2):c.592A>G (p.Ile198Val)

Gene: TNNT2 (troponin T2, cardiac type; minus strand). Cytogenetic location: 1q32.1.
Variant type: single nucleotide variant.
Coding change: c.592A>G on transcript NM_001276345.2 (MANE Select); coding-DNA position 592, A replaced by G.
Protein change: p.Ile198Val; replaces isoleucine 198 with valine.
Molecular consequence: missense variant.
Genome position (GRCh38, 1-based): chr1:201,363,304, T>C on the plus strand (A>G on the coding strand, the complement: TNNT2 is on the minus strand). VCF-style: chr1-201363304-T-C. GRCh37 (hg19) VCF-style: chr1-201332432-T-C.
Other names: p.I188V:ATC>GTC; c.592A>G, p.Ile198Val (NM_000364.4); c.562A>G, p.Ile188Val (NM_001001430.3, NM_001001431.3, NM_001276347.2); c.547A>G, p.Ile183Val (NM_001001432.3); c.472A>G, p.Ile158Val (NM_001276346.2); short protein forms I188V, I198V, I183V, I158V.
Identifiers: ClinVar variation 181644 (VCV000181644.3), dbSNP rs730881124, ClinGen allele CA004759.

ClinVar aggregate classification (germline): Conflicting classifications of pathogenicity. Review status: criteria provided, conflicting classifications (1 of 4 stars). 2 submissions from 2 submitters: Uncertain significance (1); Likely benign (1). Last evaluated 2024-04-10.

Conditions:
Hypertrophic cardiomyopathy 2. Also called: TNNT2-Related Familial Hypertrophic Cardiomyopathy. Identifiers: MedGen C1861864, MONDO:0007266, OMIM 115195.
Dilated cardiomyopathy 1D. Identifiers: Orphanet 154, Orphanet 54260, MedGen C1832243, MONDO:0011095, OMIM 601494.
Cardiomyopathy, familial restrictive, 3. Identifiers: Orphanet 75249, MedGen C2676271, MONDO:0012900, OMIM 612422.

Submissions (2):

Labcorp Genetics (formerly Invitae), Labcorp
Classification: Uncertain significance for Cardiomyopathy, familial restrictive, 3; Hypertrophic cardiomyopathy 2; Dilated cardiomyopathy 1D. Last evaluated: 2024-04-10. Review status: criteria provided, single submitter. Criteria: Invitae Variant Classification Sherloc (09022015). Collection method: clinical testing. Allele origin: germline.
Comment: This sequence change replaces isoleucine, which is neutral and non-polar, with valine, which is neutral and non-polar, at codon 188 of the TNNT2 protein (p.Ile188Val). This variant is not present in population databases (gnomAD no frequency). This variant has not been reported in the literature in individuals affected with TNNT2-related conditions. ClinVar contains an entry for this variant (Variation ID: 181644). Advanced modeling of protein sequence and biophysical properties (such as structural, functional, and spatial information, amino acid conservation, physicochemical variation, residue mobility, and thermodynamic stability) has been performed at Invitae for this missense variant, however the output from this modeling did not meet the statistical confidence thresholds required to predict the impact of this variant on TNNT2 protein function. In summary, the available evidence is currently insufficient to determine the role of this variant in disease. Therefore, it has been classified as a Variant of Uncertain Significance.

GeneDx
Classification: Likely benign. Last evaluated: 2011-08-11. Review status: criteria provided, single submitter. Criteria: GeneDx Variant Classification (06012015). Collection method: clinical testing. Allele origin: germline. Affected: yes.
Comment: This variant is considered likely benign or benign based on one or more of the following criteria: it is a conservative change, it occurs at a poorly conserved position in the protein, it is predicted to be benign by multiple in silico algorithms, and/or has population frequency not consistent with disease.